The following is an entry in ClinVar:

ClinVar aggregate classification (germline): Uncertain significance (1 of 4 stars; one submission).

Conditions:
Inborn genetic diseases. Identifiers: MedGen C0950123, MeSH D030342.

Submission:

Ambry Genetics
Classification: Uncertain significance for Inborn genetic diseases. Last evaluated: 2024-07-18. Review status: criteria provided, single submitter. Criteria: Ambry Variant Classification Scheme 2023. Collection method: clinical testing. Allele origin: germline.
Comment: The p.A20G variant (also known as c.59C>G), located in coding exon 1 of the ACD gene, results from a C to G substitution at nucleotide position 59. The alanine at codon 20 is replaced by glycine, an amino acid with similar properties. This amino acid position is conserved. In addition, this alteration is predicted to be tolerated by in silico analysis. Based on the available evidence, the clinical significance of this variant remains unclear.

NM_001082486.1(ACD):c.59C>G (p.Ala20Gly)

Genes: ACD (ACD shelterin complex subunit and telomerase recruitment factor; minus strand), LOC130059224 (ATAC-STARR-seq lymphoblastoid silent region 7617; plus strand). Cytogenetic location: 16q22.1.
Variant type: single nucleotide variant.
Coding change: c.59C>G on transcript NM_001082486.1; coding-DNA position 59, C replaced by G.
Protein change: p.Ala20Gly; replaces alanine 20 with glycine.
Genome position (GRCh38, 1-based): chr16:67,660,420, G>C on the plus strand (C>G on the coding strand, the complement: ACD is on the minus strand). VCF-style: chr16-67660420-G-C. GRCh37 (hg19) VCF-style: chr16-67694323-G-C.
Other names: short protein forms A20G.
Identifiers: ClinVar variation 3480099 (VCV003480099.1).